The following is an entry in ClinVar:

ClinVar aggregate classification (germline): Uncertain significance (1 of 4 stars; one submission).

Conditions:
Inborn genetic diseases. Identifiers: MedGen C0950123, MeSH D030342.

Submission:

Ambry Genetics
Classification: Uncertain significance for Inborn genetic diseases. Last evaluated: 2021-02-19. Review status: criteria provided, single submitter. Criteria: Ambry Variant Classification Scheme 2023. Collection method: clinical testing. Allele origin: germline.
Comment: The c.2444G>T (p.G815V) alteration is located in exon 28 (coding exon 28) of the PDE2A gene. This alteration results from a G to T substitution at nucleotide position 2444, causing the glycine (G) at amino acid position 815 to be replaced by a valine (V). Based on data from the Genome Aggregation Database (gnomAD), the PDE2A c.2444G>T alteration was not observed, with coverage at this position. The p.G815 amino acid is conserved in available vertebrate species. The in silico prediction for the p.G815V alteration is inconclusive. Based on insufficient or conflicting evidence, the clinical significance of this alteration remains unclear.

NM_002599.5(PDE2A):c.2444G>T (p.Gly815Val)

Gene: PDE2A (phosphodiesterase 2A; minus strand). Cytogenetic location: 11q13.4.
Variant type: single nucleotide variant.
Coding change: c.2444G>T on transcript NM_002599.5 (MANE Select); coding-DNA position 2444, G replaced by T.
Protein change: p.Gly815Val; replaces glycine 815 with valine.
Molecular consequence: missense variant.
Genome position (GRCh38, 1-based): chr11:72,578,922, C>A on the plus strand (G>T on the coding strand, the complement: PDE2A is on the minus strand). VCF-style: chr11-72578922-C-A. GRCh37 (hg19) VCF-style: chr11-72289966-C-A.
Other names: c.2423G>T, p.Gly808Val (NM_001143839.4); c.2417G>T, p.Gly806Val (NM_001146209.3); c.2381G>T, p.Gly794Val (NM_001243784.2); short protein forms G815V, G794V, G808V, G806V.
Identifiers: ClinVar variation 2217720 (VCV002217720.2), dbSNP rs2496230839, ClinGen allele CA381748905.
Genomic context (GRCh38, chr11:72,578,922, plus strand): 5'-GCAGCCTGTGCCTTCCCAGGGAGGACTACACCTACCGCGATCTTTCTCGTAGTCTTCCAG[C>A]CCTTGGTCTGGTCAGAGAGGTCACAGGAGGTCATGAGGAGGCAGAGGAGAAGTCTGTGGT-3'
Protein context (NP_002590.1, residues 805-825): TSCDLSDQTK[Gly815Val]WKTTRKIAEL